The following is an entry in ClinVar:

NM_001322934.2(NFKB2):c.1202G>A (p.Gly401Asp)

Genes: NFKB2 (nuclear factor kappa B subunit 2; plus strand), LOC130004599 (ATAC-STARR-seq lymphoblastoid silent region 2756; plus strand). Cytogenetic location: 10q24.32.
Variant type: single nucleotide variant.
Coding change: c.1202G>A on transcript NM_001322934.2 (MANE Select); coding-DNA position 1202, G replaced by A.
Protein change: p.Gly401Asp; replaces glycine 401 with aspartic acid.
Molecular consequence: missense variant.
Genome position (GRCh38, 1-based): chr10:102,399,372, G>A. VCF-style: chr10-102399372-G-A. GRCh37 (hg19) VCF-style: chr10-104159129-G-A.
Other names: c.1202G>A, p.Gly401Asp (NM_001077493.1, NM_001077494.3, NM_001261403.3 and 2 more transcripts); c.1076G>A, p.Gly359Asp (NM_001322935.1); short protein forms G359D, G401D.
Identifiers: ClinVar variation 2748852 (VCV002748852.3), dbSNP rs1325603094, ClinGen allele CA377898894.

ClinVar aggregate classification (germline): Uncertain significance (1 of 4 stars; one submission).

Conditions:
Immunodeficiency, common variable, 10. Also called: IMMUNODEFICIENCY, COMMON VARIABLE, WITH CENTRAL ADRENAL INSUFFICIENCY; DEFICIT IN ANTERIOR PITUITARY FUNCTION AND VARIABLE IMMUNODEFICIENCY. Identifiers: MedGen C3809991, MONDO:0014260, OMIM 615577.

Allele frequency attached by ClinVar (database versions not stated): gnomAD exomes below 0.00001.
gnomAD v4.1: 2 of 1,548,394 alleles (0.00013%); highest among the groups gnomAD compares: South Asian, 0.0012%; no homozygotes.

Submission:

Labcorp Genetics (formerly Invitae), Labcorp
Classification: Uncertain significance for Immunodeficiency, common variable, 10. Last evaluated: 2023-08-06. Review status: criteria provided, single submitter. Criteria: Invitae Variant Classification Sherloc (09022015). Collection method: clinical testing. Allele origin: germline.
Comment: This sequence change replaces glycine, which is neutral and non-polar, with aspartic acid, which is acidic and polar, at codon 401 of the NFKB2 protein (p.Gly401Asp). The frequency data for this variant in the population databases is considered unreliable, as metrics indicate poor data quality at this position in the gnomAD database. This variant has not been reported in the literature in individuals affected with NFKB2-related conditions. An algorithm developed to predict the effect of missense changes on protein structure and function (PolyPhen-2) suggests that this variant is likely to be disruptive. In summary, the available evidence is currently insufficient to determine the role of this variant in disease. Therefore, it has been classified as a Variant of Uncertain Significance.